The following is an entry in ClinVar:

NM_020800.3(IFT80):c.1954A>G (p.Ile652Val)

Genes: TRIM59-IFT80 (TRIM59-IFT80 readthrough (NMD candidate); minus strand), IFT80 (intraflagellar transport 80; minus strand). Cytogenetic location: 3q25.33.
Variant type: single nucleotide variant.
Coding change: c.1954A>G on transcript NM_020800.3 (MANE Select); coding-DNA position 1954, A replaced by G.
Protein change: p.Ile652Val; replaces isoleucine 652 with valine.
Molecular consequence: missense variant. On other transcripts: non-coding transcript variant (3).
Genome position (GRCh38, 1-based): chr3:160,277,451, T>C on the plus strand (A>G on the coding strand, the complement: IFT80 is on the minus strand). VCF-style: chr3-160277451-T-C. GRCh37 (hg19) VCF-style: chr3-159995239-T-C.
Other names: c.1543A>G, p.Ile515Val (NM_001190241.2, NM_001190242.2); short protein forms I515V, I652V.
Identifiers: ClinVar variation 645284 (VCV000645284.7), dbSNP rs779103873, ClinGen allele CA2685002.

ClinVar aggregate classification (germline): Uncertain significance. Review status: criteria provided, multiple submitters, no conflicts (2 of 4 stars). 4 submissions from 4 submitters: Uncertain significance (4). Last evaluated 2024-12-03.

Conditions:
Jeune thoracic dystrophy. Also called: Jeune syndrome; Infantile thoracic dystrophy; Thoracic pelvic phalangeal dystrophy; Jeune's syndrome; Chondroectodermal dysplasia-like syndrome; Short-rib thoracic dysplasia. Identifiers: Orphanet 474, MedGen C0265275, MONDO:0018770.
Asphyxiating thoracic dystrophy 2 (SRTD2). Also called: SHORT-RIB THORACIC DYSPLASIA 2 WITHOUT POLYDACTYLY; SHORT-RIB THORACIC DYSPLASIA 2 WITH OR WITHOUT POLYDACTYLY; SHORT-RIB THORACIC DYSPLASIA 2 WITH POLYDACTYLY. Identifiers: Orphanet 474, MedGen C1970005, MONDO:0012644, OMIM 611263.
Inborn genetic diseases. Identifiers: MedGen C0950123, MeSH D030342.

Allele frequency attached by ClinVar (database versions not stated): gnomAD 0.00001; gnomAD exomes 0.00001 and 0.00003; TOPMed 0.00002; ExAC 0.00003.
gnomAD v4.1: 11 of 1,609,394 alleles (0.00068%); highest among the groups gnomAD compares: East Asian, 0.013%; no homozygotes.

Submissions (4):

Ambry Genetics
Classification: Uncertain significance for Inborn genetic diseases. Last evaluated: 2024-12-03. Review status: criteria provided, single submitter. Criteria: Ambry Variant Classification Scheme 2023. Collection method: clinical testing. Allele origin: germline.

Fulgent Genetics
Classification: Uncertain significance for Asphyxiating thoracic dystrophy 2. Last evaluated: 2023-12-28. Review status: criteria provided, single submitter. Criteria: ACMG Guidelines, 2015. Collection method: clinical testing. Allele origin: germline.

Labcorp Genetics (formerly Invitae), Labcorp
Classification: Uncertain significance for Jeune thoracic dystrophy. Last evaluated: 2022-10-13. Review status: criteria provided, single submitter. Criteria: Invitae Variant Classification Sherloc (09022015). Collection method: clinical testing. Allele origin: germline.
Comment: This sequence change replaces isoleucine, which is neutral and non-polar, with valine, which is neutral and non-polar, at codon 652 of the IFT80 protein (p.Ile652Val). This variant is present in population databases (rs779103873, gnomAD 0.03%). This variant has not been reported in the literature in individuals affected with IFT80-related conditions. ClinVar contains an entry for this variant (Variation ID: 645284). Advanced modeling of protein sequence and biophysical properties (such as structural, functional, and spatial information, amino acid conservation, physicochemical variation, residue mobility, and thermodynamic stability) performed at Invitae indicates that this missense variant is not expected to disrupt IFT80 protein function. In summary, the available evidence is currently insufficient to determine the role of this variant in disease. Therefore, it has been classified as a Variant of Uncertain Significance.

Department of Pathology and Laboratory Medicine, Sinai Health System
Classification: Uncertain significance for asphyxiating thoracic dystrophy 2. Last evaluated: 2021-03-11. Review status: criteria provided, single submitter. Criteria: ACMG Guidelines, 2015. Collection method: research. Allele origin: germline.